The following is an entry in ClinVar:

ClinVar aggregate classification (germline): Conflicting classifications of pathogenicity. Review status: criteria provided, conflicting classifications (1 of 4 stars). 2 submissions from 2 submitters: Uncertain significance (1); Likely benign (1). Last evaluated 2026-01-20.

Allele frequency attached by ClinVar (database versions not stated): ESP Exome Variant Server 0.00008.
gnomAD v4.1: 44 of 1,585,860 alleles (0.0028%); highest among the groups gnomAD compares: African/African-American, 0.013%; no homozygotes.

Submissions (2):

Labcorp Genetics (formerly Invitae), Labcorp
Classification: Uncertain significance. Last evaluated: 2026-01-20. Review status: criteria provided, single submitter. Criteria: Invitae Variant Classification Sherloc (09022015). Collection method: clinical testing. Allele origin: germline.
Comment: This sequence change replaces arginine, which is basic and polar, with cysteine, which is neutral and slightly polar, at codon 551 of the PRMT7 protein (p.Arg551Cys). This variant is present in population databases (rs145433823, gnomAD 0.02%). This variant has not been reported in the literature in individuals affected with PRMT7-related conditions. ClinVar contains an entry for this variant (Variation ID: 2646660). An algorithm developed to predict the effect of missense changes on protein structure and function outputs the following: PolyPhen-2: "Benign". The cysteine amino acid residue is found in multiple mammalian species, which suggests that this missense change does not adversely affect protein function. In summary, the available evidence is currently insufficient to determine the role of this variant in disease. Therefore, it has been classified as a Variant of Uncertain Significance.

CeGaT Center for Human Genetics Tuebingen
Classification: Likely benign. Last evaluated: 2022-03-01. Review status: criteria provided, single submitter. Criteria: CeGaT Center For Human Genetics Tuebingen Variant Classification Criteria Version 2. Collection method: clinical testing. Allele origin: germline. Affected: yes. Observed: 1 variant allele.
Comment: PRMT7: BP4

NM_019023.5(PRMT7):c.1651C>T (p.Arg551Cys)

Gene: PRMT7 (protein arginine methyltransferase 7; plus strand). Cytogenetic location: 16q22.1.
Variant type: single nucleotide variant.
Coding change: c.1651C>T on transcript NM_019023.5 (MANE Select); coding-DNA position 1651, C replaced by T.
Protein change: p.Arg551Cys; replaces arginine 551 with cysteine.
Molecular consequence: missense variant. On other transcripts: non-coding transcript variant (12).
Genome position (GRCh38, 1-based): chr16:68,355,723, C>T. VCF-style: chr16-68355723-C-T. GRCh37 (hg19) VCF-style: chr16-68389626-C-T.
Other names: c.1444C>T, p.Arg482Cys (NM_001378020.1); c.1414C>T, p.Arg472Cys (NM_001378021.1, NM_001378022.1, NM_001378023.1); c.1501C>T, p.Arg501Cys (NM_001184824.4); c.1651C>T, p.Arg551Cys (NM_001290018.2, NM_001351143.3, NM_001378018.1); c.1654C>T, p.Arg552Cys (NM_001351144.3); short protein forms R472C, R482C, R501C, R551C, R552C.
Identifiers: ClinVar variation 2646660 (VCV002646660.25), dbSNP rs145433823, ClinGen allele CA8127601.